The following is an entry in ClinVar:

NM_000492.4(CFTR):c.4230C>A (p.Cys1410Ter)

Gene: CFTR (CF transmembrane conductance regulator; plus strand). Cytogenetic location: 7q31.2.
Variant type: single nucleotide variant.
Coding change: c.4230C>A on transcript NM_000492.4 (MANE Select); coding-DNA position 4230, C replaced by A.
Protein change: p.Cys1410Ter; replaces cysteine 1410 with a stop codon.
Molecular consequence: nonsense.
Genome position (GRCh38, 1-based): chr7:117,665,552, C>A. VCF-style: chr7-117665552-C-A. GRCh37 (hg19) VCF-style: chr7-117305606-C-A.
Other names: short protein forms C1410*.
Identifiers: ClinVar variation 2116281 (VCV002116281.5), dbSNP rs1165501753, ClinGen allele CA368983788.

ClinVar aggregate classification (germline): Pathogenic/Likely pathogenic. Review status: criteria provided, multiple submitters, no conflicts (2 of 4 stars). 2 submissions from 2 submitters: Pathogenic (1); Likely pathogenic (1). Last evaluated 2024-11-05.

Conditions:
Cystic fibrosis (CF). Also called: MUCOVISCIDOSIS. Identifiers: Orphanet 586, MedGen C0010674, MONDO:0009061, OMIM 219700. Disease mechanism: loss of function.
CFTR-related disorder (CFTR-RD). Also called: CFTR-related condition; CFTR-related disorders. Identifiers: MedGen C5924204, MONDO:7770004.

Submissions (2):

Natera, Inc.
Classification: Likely pathogenic for CFTR-related disorders. Last evaluated: 2024-11-05. Review status: criteria provided, single submitter. Criteria: Natera Variant Classification Schema (03/2026). Collection method: clinical testing. Allele origin: germline.
Comment: The c.4230C>A variant in CFTR is a nonsense variant predicted to introduce a stop codon at amino acid 1410. This variant is expected to result in nonsense mediated decay, truncation, or a dysfunctional protein product. This variant is rare in the general population with a frequency below the threshold expected for the associated phenotype(s). This variant has been observed in one or more individuals affected with the associated recessive disease, as either homozygous or compound heterozygous with a second variant (PMID: 33946859). Functional studies show that this variant may disrupt protein function (PMID: 11022033). Given the available evidence, this variant is classified as Likely Pathogenic.

Labcorp Genetics (formerly Invitae), Labcorp
Classification: Pathogenic for Cystic fibrosis. Last evaluated: 2022-03-23. Review status: criteria provided, single submitter. Criteria: Invitae Variant Classification Sherloc (09022015). Collection method: clinical testing. Allele origin: germline.
Comment: This variant has not been reported in the literature in individuals affected with CFTR-related conditions. This variant disrupts a region of the CFTR protein in which other variant(s) (p.Glu1418Argfs*14) have been determined to be pathogenic (PMID: 7691344, 15638824, 23974870). This suggests that this is a clinically significant region of the protein, and that variants that disrupt it are likely to be disease-causing. For these reasons, this variant has been classified as Pathogenic. This variant is not present in population databases (gnomAD no frequency). This sequence change creates a premature translational stop signal (p.Cys1410*) in the CFTR gene. While this is not anticipated to result in nonsense mediated decay, it is expected to disrupt the last 71 amino acid(s) of the CFTR protein.

Literature cited by the submitters: PubMed 33946859 (cited by Natera, Inc.); PubMed 11022033 (cited by Natera, Inc.); PubMed 7691344 (cited by Labcorp Genetics (formerly Invitae), Labcorp); PubMed 15638824 (cited by Labcorp Genetics (formerly Invitae), Labcorp); PubMed 23974870 (cited by Labcorp Genetics (formerly Invitae), Labcorp).